The following is an entry in ClinVar:

ClinVar aggregate classification (germline): Uncertain significance (1 of 4 stars; one submission).

gnomAD v4.1: 1 of 1,613,980 alleles (0.000062%); highest among the groups gnomAD compares: Non-Finnish European, 0.000085%; no homozygotes.

Submission:

Labcorp Genetics (formerly Invitae), Labcorp
Classification: Uncertain significance. Last evaluated: 2024-12-23. Review status: criteria provided, single submitter. Criteria: Invitae Variant Classification Sherloc (09022015). Collection method: clinical testing. Allele origin: germline.
Comment: This sequence change replaces glutamine, which is neutral and polar, with glutamic acid, which is acidic and polar, at codon 271 of the RELB protein (p.Gln271Glu). This variant is not present in population databases (gnomAD no frequency). This variant has not been reported in the literature in individuals affected with RELB-related conditions. An algorithm developed to predict the effect of missense changes on protein structure and function (PolyPhen-2) suggests that this variant is likely to be tolerated. In summary, the available evidence is currently insufficient to determine the role of this variant in disease. Therefore, it has been classified as a Variant of Uncertain Significance.

NM_006509.4(RELB):c.811C>G (p.Gln271Glu)

Gene: RELB (RELB proto-oncogene, NF-kB subunit; plus strand). Cytogenetic location: 19q13.32.
Variant type: single nucleotide variant.
Coding change: c.811C>G on transcript NM_006509.4 (MANE Select); coding-DNA position 811, C replaced by G.
Protein change: p.Gln271Glu; replaces glutamine 271 with glutamic acid.
Molecular consequence: missense variant.
Genome position (GRCh38, 1-based): chr19:45,025,662, C>G. VCF-style: chr19-45025662-C-G. GRCh37 (hg19) VCF-style: chr19-45528920-C-G.
Other names: c.802C>G, p.Gln268Glu (NM_001411087.1); short protein forms Q268E, Q271E.
Identifiers: ClinVar variation 3727813 (VCV003727813.2).